The following is an entry in ClinVar:

ClinVar aggregate classification (germline): Uncertain significance (1 of 4 stars; one submission).

Conditions:
ADGRV1-related disorder. Also called: ADGRV1-related disorders; ADGRV1-related condition.

Submission:

PreventionGenetics, part of Exact Sciences
Classification: Uncertain significance for ADGRV1-related condition. Last evaluated: 2025-02-06. Review status: criteria provided, single submitter. Criteria: ACMG Guidelines, 2015. Collection method: clinical testing. Allele origin: germline.
Comment: The ADGRV1 c.13658A>G variant is predicted to result in the amino acid substitution p.Asn4553Ser. To our knowledge, this variant has not been reported in the literature or in a large population database (gnomAD), indicating this variant is rare. At this time, the clinical significance of this variant is uncertain due to the absence of conclusive functional and genetic evidence.

NM_032119.4(ADGRV1):c.13658A>G (p.Asn4553Ser)

Gene: ADGRV1 (adhesion G protein-coupled receptor V1; plus strand). Cytogenetic location: 5q14.3.
Variant type: single nucleotide variant.
Coding change: c.13658A>G on transcript NM_032119.4 (MANE Select); coding-DNA position 13658, A replaced by G.
Protein change: p.Asn4553Ser; replaces asparagine 4553 with serine.
Molecular consequence: missense variant. On other transcripts: non-coding transcript variant (1).
Genome position (GRCh38, 1-based): chr5:90,788,075, A>G. VCF-style: chr5-90788075-A-G. GRCh37 (hg19) VCF-style: chr5-90083892-A-G.
Other names: short protein forms N4553S.
Identifiers: ClinVar variation 4997657 (VCV004997657.1).